The following is an entry in ClinVar:

NM_000053.4(ATP7B):c.164C>T (p.Ser55Phe)

Gene: ATP7B (ATPase copper transporting beta; minus strand). Cytogenetic location: 13q14.3.
Variant type: single nucleotide variant.
Coding change: c.164C>T on transcript NM_000053.4 (MANE Select); coding-DNA position 164, C replaced by T.
Protein change: p.Ser55Phe; replaces serine 55 with phenylalanine.
Molecular consequence: missense variant.
Genome position (GRCh38, 1-based): chr13:51,975,056, G>A on the plus strand (C>T on the coding strand, the complement: ATP7B is on the minus strand). VCF-style: chr13-51975056-G-A. GRCh37 (hg19) VCF-style: chr13-52549192-G-A.
Other names: c.164C>T, p.Ser55Phe (NM_001406511.1, NM_001406512.1, NM_001406513.1 and 30 more transcripts); c.68C>T, p.Ser23Phe (NM_001406530.1, NM_001406536.1, NM_001406539.1 and 4 more transcripts); short protein forms S23F, S55F.
Identifiers: ClinVar variation 3069700 (VCV003069700.2), dbSNP rs574071838, ClinGen allele CA6989607.

ClinVar aggregate classification (germline): Uncertain significance. Review status: criteria provided, multiple submitters, no conflicts (2 of 4 stars). 2 submissions from 2 submitters: Uncertain significance (2). Last evaluated 2024-05-18.

Conditions:
Wilson disease (WND). Also called: Wilson's disease. Identifiers: Orphanet 905, MedGen C0019202, MONDO:0010200, OMIM 277900. Disease mechanism: loss of function.

Allele frequency attached by ClinVar (database versions not stated): gnomAD 0.00001; gnomAD exomes 0.00001; ExAC 0.00002; 1000 Genomes Project 30x 0.00016; 1000 Genomes Project 0.00020.
gnomAD v4.1: 16 of 1,614,230 alleles (0.00099%); highest among the groups gnomAD compares: South Asian, 0.014%; no homozygotes.

Submissions (2):

Fulgent Genetics
Classification: Uncertain significance for Wilson disease. Last evaluated: 2024-05-18. Review status: criteria provided, single submitter. Criteria: ACMG Guidelines, 2015. Collection method: clinical testing. Allele origin: germline.

All of Us Research Program, National Institutes of Health
Classification: Uncertain significance for Wilson disease. Last evaluated: 2023-02-24. Review status: criteria provided, single submitter. Criteria: ACMG Guidelines, 2015. Collection method: clinical testing. Allele origin: germline. Inheritance: Autosomal recessive inheritance. Observed: 1 variant allele, 1 heterozygote.
Comment: This missense variant replaces serine with phenylalanine at codon 55 of the ATP7B protein. Computational prediction suggests that this variant may not impact protein structure and function (internally defined REVEL score threshold <= 0.5, PMID: 27666373). To our knowledge, functional studies have not been reported for this variant. This variant has not been reported in individuals affected with ATP7B-related disorders in the literature. This variant has been identified in 5/249324 chromosomes in the general population by the Genome Aggregation Database (gnomAD). The available evidence is insufficient to determine the role of this variant in disease conclusively. Therefore, this variant is classified as a Variant of Uncertain Significance.

This study involves interpretation of variants in research participants for the purpose of population health screening. Participant phenotype was not available at the time of variant classification. Additional details can be found in publication PMID: 35346344, PMCID: PMC8962531